The following is an entry in ClinVar:

ClinVar aggregate classification (germline): Pathogenic (1 of 4 stars; one submission).

Conditions:
Intellectual developmental disorder, autosomal dominant 51. Also called: MENTAL RETARDATION, AUTOSOMAL DOMINANT 51; Intellectual disability, autosomal dominant 51. Identifiers: Orphanet 684226, MedGen C4540474, MONDO:0030917, OMIM 617788.

Submission:

Imagene.me medical diagnostic laboratory, IMAGENE.ME SA
Classification: Pathogenic for Intellectual developmental disorder, autosomal dominant 51. Review status: criteria provided, single submitter. Criteria: IMAGENE.ME Variant Classification SOP 2022. Collection method: clinical testing. Allele origin: de novo. Affected: yes.
Comment: Classified according to the IMAGENE.ME variant classification SOP based on the ACMG guidelines as Pathogenic (P): PVS1_Strong + PS2 + PM2 + PP4

NM_017635.5(KMT5B):c.1727del (p.Gly576fs)

Gene: KMT5B (lysine methyltransferase 5B; minus strand). Cytogenetic location: 11q13.2.
Variant type: Deletion.
Coding change: c.1727del on transcript NM_017635.5 (MANE Select); coding-DNA position 1727, one base deleted (G; older notation c.1727delG).
Protein change: p.Gly576fs; shifts the reading frame from glycine 576.
Molecular consequence: frameshift variant.
Genome position (GRCh38, 1-based): chr11:68,158,619, C deleted on the plus strand (G on the coding strand, the reverse complement: KMT5B is on the minus strand); the first of 2 consecutive C bases (chr11:68,158,619-68,158,620); deleting either gives the same sequence. VCF-style (leftmost placement, unchanged base first): chr11-68158618-AC-A. GRCh37 (hg19) VCF-style: chr11-67926085-AC-A.
Other names: c.1211del, p.Gly404fs (NM_001369431.1, NM_001369432.1, NM_001369433.1 and 4 more transcripts); c.1007del, p.Gly336fs (NM_001300908.2); c.1727del, p.Gly576fs (NM_001369426.1); short protein forms G336fs, G404fs, G576fs.
Identifiers: ClinVar variation 4685486 (VCV004685486.1).